The following is an entry in ClinVar:

ClinVar aggregate classification (germline): Uncertain significance (1 of 4 stars; one submission).

Conditions:
Cardiovascular phenotype. Identifiers: MedGen CN230736.

Allele frequency attached by ClinVar (database versions not stated): gnomAD exomes below 0.00001; gnomAD 0.00001; TOPMed 0.00001.

Submission:

Ambry Genetics
Classification: Uncertain significance for Cardiovascular phenotype. Last evaluated: 2023-02-21. Review status: criteria provided, single submitter. Criteria: Ambry Variant Classification Scheme 2023. Collection method: clinical testing. Allele origin: germline.
Comment: The c.1648-5T>C intronic variant results from a T to C substitution 5 nucleotides upstream from coding exon 13 in the LAMA4 gene. This nucleotide position is well conserved in available vertebrate species. In silico splice site analysis predicts that this alteration will not have any significant effect on splicing. The evidence for this gene-disease relationship is limited; therefore, the clinical significance of this alteration is unclear.

NM_001105206.3(LAMA4):c.1669-5T>C

Gene: LAMA4 (laminin subunit alpha 4; minus strand). Cytogenetic location: 6q21.
Variant type: single nucleotide variant.
Coding change: c.1669-5T>C on transcript NM_001105206.3 (MANE Select); 5 bases into the intron before coding-DNA position 1669, T replaced by C.
Molecular consequence: intron variant.
Genome position (GRCh38, 1-based): chr6:112,158,885, A>G on the plus strand (T>C on the coding strand, the complement: LAMA4 is on the minus strand). VCF-style: chr6-112158885-A-G. GRCh37 (hg19) VCF-style: chr6-112480087-A-G.
Other names: c.1648-5T>C (NM_002290.5, NM_001105207.3).
Identifiers: ClinVar variation 2447563 (VCV002447563.2), dbSNP rs1349148981, ClinGen allele CA817304115.